The following is an entry in ClinVar:

ClinVar aggregate classification (germline): Uncertain significance (1 of 4 stars; one submission).

Allele frequency attached by ClinVar (database versions not stated): gnomAD exomes 0.00001; TOPMed 0.00001.
gnomAD v4.1: 25 of 1,613,618 alleles (0.0015%); highest among the groups gnomAD compares: Non-Finnish European, 0.0019%; no homozygotes.

Submission:

GeneDx
Classification: Uncertain significance. Last evaluated: 2019-09-12. Review status: criteria provided, single submitter. Criteria: GeneDx Variant Classification Process June 2021. Collection method: clinical testing. Allele origin: germline. Affected: yes.
Comment: Observed in a patient with congenital heart disease in published literature (Blue et al., 2018); In silico analysis, which includes protein predictors and evolutionary conservation, supports a deleterious effect; This variant is associated with the following publications: (PMID: 29910053)

NM_003482.4(KMT2D):c.13321G>T (p.Gly4441Trp)

Gene: KMT2D (lysine methyltransferase 2D; minus strand). Cytogenetic location: 12q13.12.
Variant type: single nucleotide variant.
Coding change: c.13321G>T on transcript NM_003482.4 (MANE Select); coding-DNA position 13321, G replaced by T.
Protein change: p.Gly4441Trp; replaces glycine 4441 with tryptophan.
Molecular consequence: missense variant.
Genome position (GRCh38, 1-based): chr12:49,031,384, C>A on the plus strand (G>T on the coding strand, the complement: KMT2D is on the minus strand). VCF-style: chr12-49031384-C-A. GRCh37 (hg19) VCF-style: chr12-49425167-C-A.
Other names: short protein forms G4441W.
Identifiers: ClinVar variation 1312349 (VCV001312349.2), dbSNP rs1276622338, ClinGen allele CA384705014.